The following is an entry in ClinVar:

ClinVar aggregate classification (germline): Uncertain significance. Review status: criteria provided, multiple submitters, no conflicts (2 of 4 stars). 2 submissions from 2 submitters: Uncertain significance (2). Last evaluated 2024-02-28.

Conditions:
Acute myeloid leukemia (AML). Also called: Acute myeloid leukemia, adult; AML adult; Acute non-lymphocytic leukemia; Acute granulocytic leukemia; Leukemia, acute myelogenous, somatic; Leukemia, acute myeloid, somatic. Identifiers: Orphanet 519, MedGen C0023467, MeSH D015470, MONDO:0018874, OMIM 601626, HP:0004808. Disease mechanism: Constitutively activated FLT3.

Allele frequency attached by ClinVar (database versions not stated): gnomAD 0.00001; TOPMed 0.00001.

Submissions (2):

GeneDx
Classification: Uncertain significance. Last evaluated: 2024-02-28. Review status: criteria provided, single submitter. Criteria: GeneDx Variant Classification Process June 2021. Collection method: clinical testing. Allele origin: germline. Affected: yes.
Comment: Not observed at significant frequency in large population cohorts (gnomAD); In silico analysis supports that this missense variant does not alter protein structure/function; Has not been previously published as pathogenic or benign to our knowledge; This variant is associated with the following publications: (PMID: 21455213)

Labcorp Genetics (formerly Invitae), Labcorp
Classification: Uncertain significance for Acute myeloid leukemia. Last evaluated: 2021-08-30. Review status: criteria provided, single submitter. Criteria: Invitae Variant Classification Sherloc (09022015). Collection method: clinical testing. Allele origin: germline.
Comment: In summary, the available evidence is currently insufficient to determine the role of this variant in disease. Therefore, it has been classified as a Variant of Uncertain Significance. Algorithms developed to predict the effect of missense changes on protein structure and function are either unavailable or do not agree on the potential impact of this missense change (SIFT: "Deleterious"; PolyPhen-2: "Probably Damaging"; Align-GVGD: "Class C0"). ClinVar contains an entry for this variant (Variation ID: 947669). This variant has not been reported in the literature in individuals affected with CEBPA-related conditions. The frequency data for this variant in the population databases is considered unreliable, as metrics indicate insufficient coverage at this position in the ExAC database. This sequence change replaces arginine with glutamine at codon 156 of the CEBPA protein (p.Arg156Gln). The arginine residue is moderately conserved and there is a small physicochemical difference between arginine and glutamine.

NM_004364.5(CEBPA):c.467G>A (p.Arg156Gln)

Gene: CEBPA (CCAAT enhancer binding protein alpha; minus strand). Cytogenetic location: 19q13.11.
Variant type: single nucleotide variant.
Coding change: c.467G>A on transcript NM_004364.5 (MANE Select); coding-DNA position 467, G replaced by A.
Protein change: p.Arg156Gln; replaces arginine 156 with glutamine.
Molecular consequence: missense variant.
Genome position (GRCh38, 1-based): chr19:33,301,948, C>T on the plus strand (G>A on the coding strand, the complement: CEBPA is on the minus strand). VCF-style: chr19-33301948-C-T. GRCh37 (hg19) VCF-style: chr19-33792854-C-T.
Other names: c.467G>A (NM_004364.3); c.110G>A, p.Arg37Gln (NM_001285829.2); c.572G>A, p.Arg191Gln (NM_001287424.2); c.425G>A, p.Arg142Gln (NM_001287435.2); short protein forms R156Q, R191Q, R142Q, R37Q.
Identifiers: ClinVar variation 947669 (VCV000947669.11), dbSNP rs1198903435, ClinGen allele CA405274895.